The following is an entry in ClinVar:

NM_001261826.3(AP3D1):c.2679+4dup

Gene: AP3D1 (adaptor related protein complex 3 subunit delta 1; minus strand). Cytogenetic location: 19p13.3.
Variant type: Duplication.
Coding change: c.2679+4dup on transcript NM_001261826.3 (MANE Select); 4 bases into the intron after coding-DNA position 2679, one base duplicated (A; older notation c.2679+4dupA).
Molecular consequence: intron variant.
Genome position (GRCh38, 1-based): chr19:2,113,332, T duplicated on the plus strand (A on the coding strand, the reverse complement: AP3D1 is on the minus strand); the first of 2 consecutive T bases (chr19:2,113,332-2,113,333); duplicating either gives the same sequence. VCF-style (leftmost placement, unchanged base first): chr19-2113331-C-CT. GRCh37 (hg19) VCF-style: chr19-2113330-C-CT.
Other names: c.2601+793dup (NM_003938.8); c.2679+4dup (NM_001374799.1).
Identifiers: ClinVar variation 4775097 (VCV004775097.1).

ClinVar aggregate classification (germline): Uncertain significance (1 of 4 stars; one submission).

Submission:

Labcorp Genetics (formerly Invitae), Labcorp
Classification: Uncertain significance. Last evaluated: 2025-04-20. Review status: criteria provided, single submitter. Criteria: Invitae Variant Classification Sherloc (09022015). Collection method: clinical testing. Allele origin: germline.
Comment: This sequence change falls in intron 23 of the AP3D1 gene. It does not directly change the encoded amino acid sequence of the AP3D1 protein. It affects a nucleotide within the consensus splice site. This variant is not present in population databases (gnomAD no frequency). This variant has not been reported in the literature in individuals affected with AP3D1-related conditions. Variants that disrupt the consensus splice site are a relatively common cause of aberrant splicing (PMID: 17576681, 9536098). Algorithms developed to predict the effect of sequence changes on RNA splicing suggest that this variant may disrupt the consensus splice site. In summary, the available evidence is currently insufficient to determine the role of this variant in disease. Therefore, it has been classified as a Variant of Uncertain Significance.

Literature cited by the submitters: PubMed 17576681; PubMed 9536098.